The following is an entry in ClinVar:

ClinVar aggregate classification (germline): Uncertain significance (1 of 4 stars; one submission).

Conditions:
Hereditary cancer-predisposing syndrome. Also called: Neoplastic Syndromes, Hereditary; Tumor predisposition; Hereditary Cancer Syndrome; Hereditary neoplastic syndrome. Identifiers: Orphanet 140162, MedGen C0027672, MeSH D009386, MONDO:0015356.

Submission:

Ambry Genetics
Classification: Uncertain significance for Hereditary cancer-predisposing syndrome. Last evaluated: 2026-05-01. Review status: criteria provided, single submitter. Criteria: Ambry Variant Classification Scheme 2023. Collection method: clinical testing. Allele origin: germline.
Comment: The p.A41S variant (also known as c.121G>T), located in coding exon 2 of the MITF gene, results from a G to T substitution at nucleotide position 121. The alanine at codon 41 is replaced by serine, an amino acid with similar properties. This amino acid position is conserved. In addition, this alteration is predicted to be tolerated by in silico analysis. Based on the available evidence, the clinical significance of this variant remains unclear.

NM_001354604.2(MITF):c.442G>T (p.Ala148Ser)

Gene: MITF (melanocyte inducing transcription factor; plus strand). Cytogenetic location: 3p13.
Variant type: single nucleotide variant.
Coding change: c.442G>T on transcript NM_001354604.2 (MANE Select); coding-DNA position 442, G replaced by T.
Protein change: p.Ala148Ser; replaces alanine 148 with serine.
Molecular consequence: missense variant. On other transcripts: intron variant (1).
Genome position (GRCh38, 1-based): chr3:69,937,909, G>T. VCF-style: chr3-69937909-G-T. GRCh37 (hg19) VCF-style: chr3-69987060-G-T.
Other names: c.121G>T, p.Ala41Ser (NM_000248.4, NM_001184968.2, NM_198158.3); c.286G>T, p.Ala96Ser (NM_001184967.2, NM_001354608.2); c.439G>T, p.Ala147Ser (NM_001354605.2, NM_001354606.2, NM_006722.3); c.391G>T, p.Ala131Ser (NM_001354607.2); c.442G>T, p.Ala148Ser (NM_198159.3); c.394G>T, p.Ala132Ser (NM_198177.3); c.93+28G>T (NM_198178.3); short protein forms A131S, A132S, A147S, A148S, A41S, A96S.
Identifiers: ClinVar variation 4860065 (VCV004860065.1).